The following is an entry in ClinVar:

NM_018062.4(FANCL):c.821+1G>A

Gene: FANCL (FA complementation group L; minus strand). Cytogenetic location: 2p16.1.
Variant type: single nucleotide variant.
Coding change: c.821+1G>A on transcript NM_018062.4 (MANE Select); the canonical splice donor site of the intron after coding-DNA position 821, G replaced by A.
Molecular consequence: splice donor variant.
Genome position (GRCh38, 1-based): chr2:58,163,028, C>T on the plus strand (G>A on the coding strand, the complement: FANCL is on the minus strand). VCF-style: chr2-58163028-C-T. GRCh37 (hg19) VCF-style: chr2-58390163-C-T.
Other names: c.866+1G>A (NM_001374615.1); c.836+1G>A (NM_001114636.2); c.881+1G>A (NM_001410792.1).
Identifiers: ClinVar variation 2872020 (VCV002872020.3), dbSNP rs775664760, ClinGen allele CA346935563.
Genomic context (GRCh38, chr2:58,163,028, plus strand): 5'-ATTATGCTGTGAACTTTGTAAAATCACCAAAAAGTAAAAATTATATTGCCAAGGTACCTA[C>T]CACAAATGTATGTTCCTGCTCAGCTTAATTCCCAGGGGTTTTACCACTTCAGATTAAAAA-3'

ClinVar aggregate classification (germline): Likely pathogenic (1 of 4 stars; one submission).

Conditions:
Fanconi anemia (FA). Also called: Fanconi's anemia. Identifiers: Orphanet 84, MedGen C0015625, MeSH D005199, MONDO:0019391.

Submission:

Labcorp Genetics (formerly Invitae), Labcorp
Classification: Likely pathogenic for Fanconi anemia. Last evaluated: 2023-06-29. Review status: criteria provided, single submitter. Criteria: Invitae Variant Classification Sherloc (09022015). Collection method: clinical testing. Allele origin: germline.
Comment: In summary, the currently available evidence indicates that the variant is pathogenic, but additional data are needed to prove that conclusively. Therefore, this variant has been classified as Likely Pathogenic. Algorithms developed to predict the effect of sequence changes on RNA splicing suggest that this variant may disrupt the consensus splice site. This variant has not been reported in the literature in individuals affected with FANCL-related conditions. This variant is not present in population databases (gnomAD no frequency). This sequence change affects a donor splice site in intron 10 of the FANCL gene. It is expected to disrupt RNA splicing. Variants that disrupt the donor or acceptor splice site typically lead to a loss of protein function (PMID: 16199547), and loss-of-function variants in FANCL are known to be pathogenic (PMID: 19405097, 23613520).

Literature cited by the submitters: PubMed 16199547; PubMed 19405097; PubMed 23613520.